The following is an entry in ClinVar:

ClinVar aggregate classification (germline): Pathogenic (1 of 4 stars; one submission).

Submission:

Labcorp Genetics (formerly Invitae), Labcorp
Classification: Pathogenic. Last evaluated: 2022-07-05. Review status: criteria provided, single submitter. Criteria: Invitae Variant Classification Sherloc (09022015). Collection method: clinical testing. Allele origin: germline.
Comment: This sequence change creates a premature translational stop signal (p.Asp230*) in the AGBL5 gene. It is expected to result in an absent or disrupted protein product. Loss-of-function variants in AGBL5 are known to be pathogenic (PMID: 27764769, 27842159). This variant is not present in population databases (gnomAD no frequency). This variant has not been reported in the literature in individuals affected with AGBL5-related conditions. ClinVar contains an entry for this variant (Variation ID: 1453937). For these reasons, this variant has been classified as Pathogenic.

Literature cited by the submitters: PubMed 27764769; PubMed 27842159.

NM_021831.6(AGBL5):c.686dup (p.Pro229_Asp230insTer)

Gene: AGBL5 (AGBL carboxypeptidase 5; plus strand). Cytogenetic location: 2p23.3.
Variant type: Duplication.
Coding change: c.686dup on transcript NM_021831.6 (MANE Select); coding-DNA position 686, one base duplicated (C; older notation c.686dupC).
Protein change: p.Pro229_Asp230insTer.
Molecular consequence: frameshift variant. On other transcripts: non-coding transcript variant (2).
Genome position (GRCh38, 1-based): chr2:27,054,764, C duplicated; the last of 2 consecutive C bases (chr2:27,054,763-27,054,764); duplicating either gives the same sequence. VCF-style (leftmost placement, unchanged base first): chr2-27054762-T-TC. GRCh37 (hg19) VCF-style: chr2-27277630-T-TC.
Other names: c.686dup, p.Pro229_Asp230insTer (NM_001035507.3).
Identifiers: ClinVar variation 1453937 (VCV001453937.6), dbSNP rs1668345404, ClinGen allele CA1240095528.